The following is an entry in ClinVar:

NM_000043.6(FAS):c.937A>G (p.Ile313Val)

Gene: FAS (Fas cell surface death receptor; plus strand). Cytogenetic location: 10q23.31.
Variant type: single nucleotide variant.
Coding change: c.937A>G on transcript NM_000043.6 (MANE Select); coding-DNA position 937, A replaced by G.
Protein change: p.Ile313Val; replaces isoleucine 313 with valine.
Molecular consequence: missense variant. On other transcripts: 3 prime UTR variant (2), non-coding transcript variant (7).
Genome position (GRCh38, 1-based): chr10:89,014,379, A>G. VCF-style: chr10-89014379-A-G. GRCh37 (hg19) VCF-style: chr10-90774136-A-G.
Other names: c.*260A>G (NM_001320619.2); c.874A>G, p.Ile292Val (NM_152871.4); c.*249A>G (NM_152872.4); short protein forms I313V, I292V.
Identifiers: ClinVar variation 1385147 (VCV001385147.6), dbSNP rs751341397, ClinGen allele CA5593237.

ClinVar aggregate classification (germline): Uncertain significance (1 of 4 stars; one submission).

Conditions:
Autoimmune lymphoproliferative syndrome type 1. Also called: AUTOIMMUNE LYMPHOPROLIFERATIVE SYNDROME, TYPE I, AUTOSOMAL DOMINANT. Identifiers: Orphanet 3261, MedGen C2717884, MONDO:0011158, OMIM 601859.

Allele frequency attached by ClinVar (database versions not stated): gnomAD 0.00001; gnomAD exomes 0.00001; TOPMed 0.00001; ExAC 0.00002.
gnomAD v4.1: 4 of 1,613,494 alleles (0.00025%); highest among the groups gnomAD compares: East Asian, 0.0022%; no homozygotes.

Submission:

Labcorp Genetics (formerly Invitae), Labcorp
Classification: Uncertain significance for Autoimmune lymphoproliferative syndrome. Last evaluated: 2021-08-18. Review status: criteria provided, single submitter. Criteria: Invitae Variant Classification Sherloc (09022015). Collection method: clinical testing. Allele origin: germline.
Comment: This sequence change replaces isoleucine with valine at codon 313 of the FAS protein (p.Ile313Val). The isoleucine residue is weakly conserved and there is a small physicochemical difference between isoleucine and valine. This variant is present in population databases (rs751341397, ExAC 0.01%). This variant has not been reported in the literature in individuals affected with FAS-related conditions. Algorithms developed to predict the effect of missense changes on protein structure and function output the following: SIFT: "Not Available"; PolyPhen-2: "Benign"; Align-GVGD: "Not Available". The valine amino acid residue is found in multiple mammalian species, which suggests that this missense change does not adversely affect protein function. In summary, the available evidence is currently insufficient to determine the role of this variant in disease. Therefore, it has been classified as a Variant of Uncertain Significance.